The following is an entry in ClinVar:

NM_000252.3(MTM1):c.109C>T (p.Arg37Ter)

Gene: MTM1 (myotubularin 1; plus strand). Cytogenetic location: Xq28.
Variant type: single nucleotide variant.
Coding change: c.109C>T on transcript NM_000252.3 (MANE Select); coding-DNA position 109, C replaced by T.
Protein change: p.Arg37Ter; replaces arginine 37 with a stop codon.
Molecular consequence: nonsense.
Genome position (GRCh38, 1-based): chrX:150,596,543, C>T. VCF-style: chrX-150596543-C-T. GRCh37 (hg19) VCF-style: chrX-149765007-C-T.
Other names: c.109C>T, p.Arg37Ter (NM_001376906.1, NM_001376907.1, NM_001376908.1); short protein forms R37*.
Identifiers: ClinVar variation 158895 (VCV000158895.16), dbSNP rs587783753, ClinGen allele CA271728.
Genomic context (GRCh38, chrX:150,596,543, plus strand): 5'-CTGTTTTGTTTCTAGACGTCTCGAGATGGAGTCAATCGAGATCTCACTGAGGCTGTTCCT[C>T]GACTTCCAGGAGAAACACTAATCACTGGTAAGGACCTGCTGACATAAGATTTGCATAACT-3'

ClinVar aggregate classification (germline): Pathogenic. Review status: criteria provided, multiple submitters, no conflicts (2 of 4 stars). 4 submissions from 4 submitters: Pathogenic (4). Last evaluated 2025-05-16.

Conditions:
Severe X-linked myotubular myopathy (CNMX). Also called: MYOTUBULAR MYOPATHY 1; X-linked centronuclear myopathy; Myotubular myopathy, X-linked. Identifiers: Orphanet 596, MedGen C0410203, MONDO:0010683, OMIM 310400.

Allele frequency attached by ClinVar (database versions not stated): TOPMed below 0.00001; gnomAD 0.00001.
gnomAD v4.1: 2 of 1,207,780 alleles (0.00017%); highest among the groups gnomAD compares: Non-Finnish European, 0.00022%; no homozygotes.

Submissions (4):

Women's Health and Genetics/Laboratory Corporation of America, LabCorp
Classification: Pathogenic for Severe X-linked myotubular myopathy. Last evaluated: 2025-05-16. Review status: criteria provided, single submitter. Criteria: LabCorp Variant Classification Summary - May 2015. Collection method: clinical testing. Allele origin: germline.
Comment: Variant summary: MTM1 c.109C>T (p.Arg37X) results in a premature termination codon, predicted to cause a truncation of the encoded protein or absence of the protein due to nonsense mediated decay, which are commonly known mechanisms for disease. The variant was absent in 182971 control chromosomes (gnomAD). c.109C>T has been observed in individual(s) affected with MTM1-related conditions (Laporte_1997). The following publication has been ascertained in the context of this evaluation (PMID: 9305655). ClinVar contains an entry for this variant (Variation ID: 158895). Based on the evidence outlined above, the variant was classified as pathogenic.

Labcorp Genetics (formerly Invitae), Labcorp
Classification: Pathogenic for Severe X-linked myotubular myopathy. Last evaluated: 2023-07-13. Review status: criteria provided, single submitter. Criteria: Invitae Variant Classification Sherloc (09022015). Collection method: clinical testing. Allele origin: germline.
Comment: This sequence change creates a premature translational stop signal (p.Arg37*) in the MTM1 gene. It is expected to result in an absent or disrupted protein product. Loss-of-function variants in MTM1 are known to be pathogenic (PMID: 9305655, 10063835). This variant is not present in population databases (gnomAD no frequency). This premature translational stop signal has been observed in individual(s) with myotubular myopathy (PMID: 9305655, 28685322). In at least one individual the variant was observed to be de novo. ClinVar contains an entry for this variant (Variation ID: 158895). For these reasons, this variant has been classified as Pathogenic.

GeneDx
Classification: Pathogenic. Last evaluated: 2017-11-02. Review status: criteria provided, single submitter. Criteria: GeneDx Variant Classification (06012015). Collection method: clinical testing. Allele origin: germline. Affected: yes.
Comment: The R37X variant in the MTM1 gene has been reported previously in multiple patients with X-linked myotubular myopathy (Laporte et al., 1997; Buj-Bello et al., 1999; Herman et al., 2002). This variant is predicted to cause loss of normal protein function either through protein truncation or nonsense-mediated mRNA decay. The R37X variant is not observed in large population cohorts (Lek et al., 2016). We interpret R37X as a pathogenic variant.

Genetic Services Laboratory, University of Chicago
Classification: Pathogenic for Myotubular myopathy, X-linked. Last evaluated: 2013-02-08. Review status: criteria provided, single submitter. Criteria: ACMG Guidelines, 2007. Collection method: clinical testing. Allele origin: germline. Inheritance: X-linked inheritance. Affected: yes.

Literature cited by the submitters: PubMed 9305655 (cited by Women's Health and Genetics/Laboratory Corporation of America, LabCorp and Labcorp Genetics (formerly Invitae), Labcorp); PubMed 10063835 (cited by Labcorp Genetics (formerly Invitae), Labcorp); PubMed 28685322 (cited by Labcorp Genetics (formerly Invitae), Labcorp).